The following is an entry in ClinVar:

NM_001044.5(SLC6A3):c.409A>G (p.Ile137Val)

Gene: SLC6A3 (solute carrier family 6 member 3). Cytogenetic location: 5p15.33.
Variant type: single nucleotide variant.
Coding change: c.409A>G on transcript NM_001044.5 (MANE Select); coding-DNA position 409, A replaced by G.
Protein change: p.Ile137Val; replaces isoleucine 137 with valine.
Molecular consequence: missense variant.
Genome position (GRCh38, 1-based): chr5:1,441,368, T>C on the plus strand (A>G on the coding strand, the complement: SLC6A3 is on the minus strand). VCF-style: chr5-1441368-T-C. GRCh37 (hg19) VCF-style: chr5-1441483-T-C.
Other names: short protein forms I137V.
Identifiers: ClinVar variation 1368870 (VCV001368870.6), dbSNP rs1733660279, ClinGen allele CA359062991.

ClinVar aggregate classification (germline): Uncertain significance (1 of 4 stars; one submission).

Conditions:
Parkinsonism-dystonia, infantile. Identifiers: Orphanet 238455, MedGen C2751067, MONDO:0013150.

Submission:

Labcorp Genetics (formerly Invitae), Labcorp
Classification: Uncertain significance for Parkinsonism-dystonia, infantile. Last evaluated: 2024-12-16. Review status: criteria provided, single submitter. Criteria: Invitae Variant Classification Sherloc (09022015). Collection method: clinical testing. Allele origin: germline.
Comment: This sequence change replaces isoleucine, which is neutral and non-polar, with valine, which is neutral and non-polar, at codon 137 of the SLC6A3 protein (p.Ile137Val). This variant is not present in population databases (gnomAD no frequency). This variant has not been reported in the literature in individuals affected with SLC6A3-related conditions. ClinVar contains an entry for this variant (Variation ID: 1368870). Invitae Evidence Modeling of protein sequence and biophysical properties (such as structural, functional, and spatial information, amino acid conservation, physicochemical variation, residue mobility, and thermodynamic stability) indicates that this missense variant is not expected to disrupt SLC6A3 protein function with a negative predictive value of 80%. In summary, the available evidence is currently insufficient to determine the role of this variant in disease. Therefore, it has been classified as a Variant of Uncertain Significance.